The following is an entry in ClinVar:

NM_007294.4(BRCA1):c.3076_3077insGGAAAACTTTGAGGAACATTCAATGTCACCTGAAAGAGAAATGGGAAATGAGATCATTCCAAGTACAGTGAGCACA (p.Ile1026delinsArgLysThrLeuArgAsnIleGlnCysHisLeuLysGluLysTrpGluMetArgSerPheGlnValGlnTer)

Gene: BRCA1 (BRCA1 DNA repair associated; minus strand). Cytogenetic location: 17q21.31.
Variant type: Microsatellite.
Coding change: c.3076_3077insGGAAAACTTTGAGGAACATTCAATGTCACCTGAAAGAGAAATGGGAAATGAGATCATTCCAAGTACAGTGAGCACA on transcript NM_007294.4 (MANE Select); coding-DNA positions 3076 to 3077, GGAAAACTTTGAGGAACATTCAATGTCACCTGAAAGAGAAATGGGAAATGAGATCATTCCAAGTACAGTGAGCACA inserted.
Protein change: p.Ile1026delinsArgLysThrLeuArgAsnIleGlnCysHisLeuLysGluLysTrpGluMetArgSerPheGlnValGlnTer.
Molecular consequence: nonsense. On other transcripts: inframe indel (1), intron variant (137).
Genome position: GRCh38, VCF-style position (the base before the change): chr17:43,092,454. GRCh37 (hg19), VCF-style position (the base before the change): chr17:41,244,471.
Other names: c.3076_3077insGGAAAACTTTGAGGAACATTCAATGTCACCTGAAAGAGAAATGGGAAATGAGATCATTCCAAGTACAGTGAGCACA, p.Ile1026delinsArgLysThrLeuArgAsnIleGlnCysHisLeuLysGluLysTrpGluMetArgSerPheGlnValGlnTer (NM_007294.3, NM_001407581.1, NM_001407582.1 and 31 more transcripts); c.2932_2933insGGAAAACTTTGAGGAACATTCAATGTCACCTGAAAGAGAAATGGGAAATGAGATCATTCCAAGTACAGTGAGCACA, p.Ile978delinsArgLysThrLeuArgAsnIleGlnCysHisLeuLysGluLysTrpGluMetArgSerPheGlnValGlnTer (NM_001407841.1, NM_001407842.1, NM_001407843.1 and 20 more transcripts); c.524-1423_524-1422insAGGAAAACTTTGAGGAACATTCAATGTCACCTGAAAGAGAAATGGGAAATGAGATCATTCCAAGTACAGTGAGCAC (NM_001408500.1, NM_001408497.1, NM_001408496.1 and 3 more transcripts); c.647-1423_647-1422insAGGAAAACTTTGAGGAACATTCAATGTCACCTGAAAGAGAAATGGGAAATGAGATCATTCCAAGTACAGTGAGCAC (NM_001408466.1, NM_001408452.1, NM_001408457.1 and 11 more transcripts); c.2863_2864insGGAAAACTTTGAGGAACATTCAATGTCACCTGAAAGAGAAATGGGAAATGAGATCATTCCAAGTACAGTGAGCACA, p.Ile955delinsArgLysThrLeuArgAsnIleGlnCysHisLeuLysGluLysTrpGluMetArgSerPheGlnValGlnTer (NM_001407571.1, NM_001407853.1, NM_001407894.1 and 9 more transcripts); c.788-1423_788-1422insAGGAAAACTTTGAGGAACATTCAATGTCACCTGAAAGAGAAATGGGAAATGAGATCATTCCAAGTACAGTGAGCAC (NM_001407973.1, NM_001408403.1, NM_001407983.1 and 17 more transcripts); c.404-1423_404-1422insAGGAAAACTTTGAGGAACATTCAATGTCACCTGAAAGAGAAATGGGAAATGAGATCATTCCAAGTACAGTGAGCAC (NM_001408511.1); c.521-1423_521-1422insAGGAAAACTTTGAGGAACATTCAATGTCACCTGAAAGAGAAATGGGAAATGAGATCATTCCAAGTACAGTGAGCAC (NM_001408505.1, NM_001408504.1, NM_001408503.1); and 41 more.
Identifiers: ClinVar variation 548316 (VCV000548316.2), dbSNP rs1555588427.

ClinVar aggregate classification (germline): Pathogenic (3 of 4 stars; one submission).

Conditions:
Breast-ovarian cancer, familial, susceptibility to, 1 (BROVCA1). Also called: BRCA1 Hereditary Breast and Ovarian Cancer; OVARIAN CANCER, SUSCEPTIBILITY TO. Identifiers: Orphanet 145, MedGen C2676676, MONDO:0011450, OMIM 604370. Disease mechanism: loss of function.

Submission:

Evidence-based Network for the Interpretation of Germline Mutant Alleles (ENIGMA)
Classification: Pathogenic for Breast-ovarian cancer, familial, susceptibility to, 1. Last evaluated: 2017-12-15. Review status: reviewed by expert panel. Criteria: ENIGMA BRCA1/2 Classification Criteria (2017-06-29). Collection method: curation. Allele origin: germline. Study: ENIGMA.
Comment: Variant allele predicted to encode a truncated non-functional protein.